The following is an entry in ClinVar:

NM_004722.4(AP4M1):c.706G>T (p.Val236Leu)

Gene: AP4M1 (adaptor related protein complex 4 subunit mu 1; plus strand). Cytogenetic location: 7q22.1.
Variant type: single nucleotide variant.
Coding change: c.706G>T on transcript NM_004722.4 (MANE Select); coding-DNA position 706, G replaced by T.
Protein change: p.Val236Leu; replaces valine 236 with leucine.
Molecular consequence: missense variant.
Genome position (GRCh38, 1-based): chr7:100,105,077, G>T. VCF-style: chr7-100105077-G-T. GRCh37 (hg19) VCF-style: chr7-99702700-G-T.
Other names: c.727G>T, p.Val243Leu (NM_001363671.2); short protein forms V236L, V243L.
Identifiers: ClinVar variation 1907638 (VCV001907638.5), dbSNP rs777989411, ClinGen allele CA4374754.

ClinVar aggregate classification (germline): Uncertain significance (1 of 4 stars; one submission).

Conditions:
Hereditary spastic paraplegia 50 (SPG50). Also called: Spastic paraplegia 50, autosomal recessive. Identifiers: Orphanet 280763, MedGen C2752008, MONDO:0013048, OMIM 612936.

Allele frequency attached by ClinVar (database versions not stated): ExAC 0.00001; gnomAD 0.00001.

Submission:

Labcorp Genetics (formerly Invitae), Labcorp
Classification: Uncertain significance for Hereditary spastic paraplegia 50. Last evaluated: 2023-12-07. Review status: criteria provided, single submitter. Criteria: Invitae Variant Classification Sherloc (09022015). Collection method: clinical testing. Allele origin: germline.
Comment: This sequence change replaces valine, which is neutral and non-polar, with leucine, which is neutral and non-polar, at codon 236 of the AP4M1 protein (p.Val236Leu). This variant is present in population databases (rs777989411, gnomAD 0.003%). This variant has not been reported in the literature in individuals affected with AP4M1-related conditions. ClinVar contains an entry for this variant (Variation ID: 1907638). Advanced modeling of protein sequence and biophysical properties (such as structural, functional, and spatial information, amino acid conservation, physicochemical variation, residue mobility, and thermodynamic stability) performed at Invitae indicates that this missense variant is not expected to disrupt AP4M1 protein function with a negative predictive value of 80%. In summary, the available evidence is currently insufficient to determine the role of this variant in disease. Therefore, it has been classified as a Variant of Uncertain Significance.